The following is an entry in ClinVar:

NM_000322.5(PRPH2):c.910_919del (p.Gln304fs)

Gene: PRPH2 (peripherin 2; minus strand). Cytogenetic location: 6p21.1.
Variant type: Deletion.
Coding change: c.910_919del on transcript NM_000322.5 (MANE Select); coding-DNA positions 910 to 919, 10 bases deleted (CAGGGCTGGC; older notation c.910_919delCAGGGCTGGC).
Protein change: p.Gln304fs; shifts the reading frame from glutamine 304.
Molecular consequence: frameshift variant.
Genome position (GRCh38, 1-based): chr6:42,698,417-42,698,426, GCCAGCCCTG deleted on the plus strand (CAGGGCTGGC on the coding strand, the reverse complement: PRPH2 is on the minus strand); deleting any 10 consecutive bases within chr6:42,698,417-42,698,428 gives the same sequence; the c. name uses the placement nearest the transcript's 3' end. VCF-style (leftmost placement, unchanged base first): chr6-42698416-AGCCAGCCCTG-A. GRCh37 (hg19) VCF-style: chr6-42666154-AGCCAGCCCTG-A.
Other names: short protein forms Q304fs.
Identifiers: ClinVar variation 4716734 (VCV004716734.2).

ClinVar aggregate classification (germline): Pathogenic. Review status: criteria provided, multiple submitters, no conflicts (2 of 4 stars). 2 submissions from 2 submitters: Pathogenic (2). Last evaluated 2025-10-17.

Conditions:
PRPH2-related disorder. Also called: PRPH2-related condition; PRPH2-related disorders. Identifiers: MedGen CN239395.

Submissions (2):

Labcorp Genetics (formerly Invitae), Labcorp
Classification: Pathogenic for PRPH2-related disorder. Last evaluated: 2025-10-17. Review status: criteria provided, single submitter. Criteria: Invitae Variant Classification Sherloc (09022015). Collection method: clinical testing. Allele origin: germline.
Comment: This sequence change creates a premature translational stop signal (p.Gln304Cysfs*17) in the PRPH2 gene. While this is not anticipated to result in nonsense mediated decay, it is expected to disrupt the last 43 amino acid(s) of the PRPH2 protein. This variant is not present in population databases (gnomAD no frequency). This variant has not been reported in the literature in individuals affected with PRPH2-related conditions. This variant disrupts a region of the PRPH2 protein in which other variant(s) (p.Leu307Argfs*17) have been determined to be pathogenic (PMID: 8019570, 17148040, 24265693). This suggests that this is a clinically significant region of the protein, and that variants that disrupt it are likely to be disease-causing. For these reasons, this variant has been classified as Pathogenic.

Blueprint Genetics
Classification: Pathogenic for PRPH2-related disorders. Last evaluated: 2022-09-02. Review status: criteria provided, single submitter. Criteria: ACMG Guidelines, 2015. Collection method: clinical testing. Allele origin: germline. Affected: yes. Observed: 4 variant alleles.

Literature cited by the submitters: PubMed 8019570 (cited by Labcorp Genetics (formerly Invitae), Labcorp); PubMed 17148040 (cited by Labcorp Genetics (formerly Invitae), Labcorp); PubMed 24265693 (cited by Labcorp Genetics (formerly Invitae), Labcorp).